The following is an entry in ClinVar:

ClinVar aggregate classification (germline): Uncertain significance. Review status: criteria provided, multiple submitters, no conflicts (2 of 4 stars). 3 submissions from 3 submitters: Uncertain significance (3). Last evaluated 2026-03-05.

Conditions:
Marfan syndrome (MFS). Also called: Marfan syndrome type 1; Marfan's syndrome; Marfan syndrome, classic; MARFAN SYNDROME, TYPE I; FBN1-Related Marfan Syndrome. Identifiers: Orphanet 284963, Orphanet 558, MedGen C0024796, MONDO:0007947, OMIM 154700.
Familial thoracic aortic aneurysm and aortic dissection (TAAD). Also called: Thoracic aortic aneurysms and dissections. Identifiers: Orphanet 91387, MedGen C4707243, MONDO:0019625.

gnomAD v4.1: 5 of 1,614,080 alleles (0.00031%); highest among the groups gnomAD compares: Non-Finnish European, 0.00042%; no homozygotes.

Submissions (3):

GeneDx
Classification: Uncertain significance. Last evaluated: 2026-03-05. Review status: criteria provided, single submitter. Criteria: GeneDx Variant Classification Process June 2021. Collection method: clinical testing. Allele origin: germline.
Comment: Not observed at significant frequency in large population cohorts (gnomAD); In silico analysis supports that this missense variant has a deleterious effect on protein structure/function; Has not been previously published as pathogenic or benign to our knowledge; Does not affect a cysteine or calcium-binding residue within an EGF-like domain or a TGF-binding protein domain of the FBN1 gene; cysteine substitutions in the EGF-like domains represent the majority of pathogenic missense changes associated with FBN1-related disorders (PMID: 12938084); This variant is associated with the following publications: (PMID: 12938084)

Color Diagnostics, LLC DBA Color Health
Classification: Uncertain significance for Familial thoracic aortic aneurysm and aortic dissection. Last evaluated: 2024-03-06. Review status: criteria provided, single submitter. Criteria: ACMG Guidelines, 2015. Collection method: clinical testing. Allele origin: germline.
Comment: This missense variant replaces arginine with serine at codon 159 of the FBN1 protein. Computational prediction is inconclusive regarding the impact of this variant on protein structure and function (internally defined REVEL score threshold 0.5 < inconclusive < 0.7, PMID: 27666373). To our knowledge, functional studies have not been reported for this variant. This variant has not been reported in individuals affected with FBN1-related disorders in the literature. This variant has not been identified in the general population by the Genome Aggregation Database (gnomAD). The available evidence is insufficient to determine the role of this variant in disease conclusively. Therefore, this variant is classified as a Variant of Uncertain Significance.

All of Us Research Program, National Institutes of Health
Classification: Uncertain significance for Marfan syndrome. Last evaluated: 2023-03-07. Review status: criteria provided, single submitter. Criteria: ACMG Guidelines, 2015. Collection method: clinical testing. Allele origin: germline. Inheritance: Autosomal dominant inheritance. Observed: 1 variant allele, 1 heterozygote.
Comment: This missense variant replaces arginine with serine at codon 159 of the FBN1 protein. Computational prediction is inconclusive regarding the impact of this variant on protein structure and function (internally defined REVEL score threshold 0.5 < inconclusive < 0.7, PMID: 27666373). To our knowledge, functional studies have not been reported for this variant. This variant has not been reported in individuals affected with cardiovascular disorders in the literature. This variant has not been identified in the general population by the Genome Aggregation Database (gnomAD). The available evidence is insufficient to determine the role of this variant in disease conclusively. Therefore, this variant is classified as a Variant of Uncertain Significance.

This study involves interpretation of variants in research participants for the purpose of population health screening. Participant phenotype was not available at the time of variant classification. Additional details can be found in publication PMID: 35346344, PMCID: PMC8962531

NM_000138.5(FBN1):c.477G>T (p.Arg159Ser)

Gene: FBN1 (fibrillin 1; minus strand). Cytogenetic location: 15q21.1.
Variant type: single nucleotide variant.
Coding change: c.477G>T on transcript NM_000138.5 (MANE Select); coding-DNA position 477, G replaced by T.
Protein change: p.Arg159Ser; replaces arginine 159 with serine.
Molecular consequence: missense variant.
Genome position (GRCh38, 1-based): chr15:48,596,344, C>A on the plus strand (G>T on the coding strand, the complement: FBN1 is on the minus strand). VCF-style: chr15-48596344-C-A. GRCh37 (hg19) VCF-style: chr15-48888541-C-A.
Other names: short protein forms R159S.
Identifiers: ClinVar variation 1171256 (VCV001171256.6), dbSNP rs1456579664, ClinGen allele CA392446347.